The following is an entry in ClinVar:

NM_004035.7(ACOX1):c.*4551C>T

Gene: ACOX1 (acyl-CoA oxidase 1; minus strand). Cytogenetic location: 17q25.1.
Variant type: single nucleotide variant.
Coding change: c.*4551C>T on transcript NM_004035.7 (MANE Select); 4551 bases downstream of the stop codon, C replaced by T.
Molecular consequence: 3 prime UTR variant.
Genome position (GRCh38, 1-based): chr17:75,942,197, G>A on the plus strand (C>T on the coding strand, the complement: ACOX1 is on the minus strand). VCF-style: chr17-75942197-G-A. GRCh37 (hg19) VCF-style: chr17-73938278-G-A.
Other names: c.*4551C>T (NM_001185039.2, NM_007292.6).
Identifiers: ClinVar variation 325303 (VCV000325303.5), dbSNP rs139936850, ClinGen allele CA10651007.

ClinVar aggregate classification (germline): Likely benign (1 of 4 stars; one submission).

Conditions:
Acyl-CoA oxidase deficiency. Also called: STRAIGHT-CHAIN ACYL-CoA OXIDASE DEFICIENCY; Pseudoneonatal adrenoleukodystrophy; Peroxisomal acyl-CoA oxidase deficiency. Identifiers: Orphanet 2971, MedGen C1849678, MONDO:0009919, OMIM 264470. Disease mechanism: loss of function.

Allele frequency attached by ClinVar (database versions not stated): 1000 Genomes Project 30x 0.00297; 1000 Genomes Project 0.00319; TOPMed 0.00555; gnomAD 0.00687 and 0.00697.

Submission:

Illumina Laboratory Services, Illumina
Classification: Likely benign for Acyl-CoA oxidase deficiency. Last evaluated: 2018-01-13. Review status: criteria provided, single submitter. Criteria: ICSL Variant Classification Criteria 13 December 2019. Collection method: clinical testing. Allele origin: germline.
Comment: This variant was observed in the ICSL laboratory as part of a predisposition screen in an ostensibly healthy population. It had not been previously curated by ICSL or reported in the Human Gene Mutation Database (HGMD: prior to June 1st, 2018), and was therefore a candidate for classification through an automated scoring system. Utilizing variant allele frequency, disease prevalence and penetrance estimates, and inheritance mode, an automated score was calculated to assess if this variant is too frequent to cause the disease. Based on the score and internal cut-off values, a variant classified as likely benign is not then subjected to further curation. The score for this variant resulted in a classification of likely benign for this disease.